The following is an entry in ClinVar:

ClinVar aggregate classification (germline): Uncertain significance (1 of 4 stars; one submission).

Conditions:
Lymphoproliferative syndrome 2 (LPFS2). Also called: CD27 DEFICIENCY; Combined immunodeficiency due to CD27 deficiency. Identifiers: Orphanet 238505, MedGen C3554540, MONDO:0014054, OMIM 615122.

Submission:

Labcorp Genetics (formerly Invitae), Labcorp
Classification: Uncertain significance for Lymphoproliferative syndrome 2. Last evaluated: 2026-01-26. Review status: criteria provided, single submitter. Criteria: Invitae Variant Classification Sherloc (09022015). Collection method: clinical testing. Allele origin: germline.
Comment: This sequence change replaces threonine, which is neutral and polar, with serine, which is neutral and polar, at codon 47 of the CD27 protein (p.Thr47Ser). This variant is not present in population databases (gnomAD no frequency). This variant has not been reported in the literature in individuals affected with CD27-related conditions. An algorithm developed to predict the effect of missense changes on protein structure and function (PolyPhen-2) suggests that this variant is likely to be disruptive. In summary, the available evidence is currently insufficient to determine the role of this variant in disease. Therefore, it has been classified as a Variant of Uncertain Significance.

NM_001242.5(CD27):c.139A>T (p.Thr47Ser)

Genes: CD27 (CD27 molecule; plus strand), CD27-AS1 (CD27 antisense RNA 1; minus strand). Cytogenetic location: 12p13.31.
Variant type: single nucleotide variant.
Coding change: c.139A>T on transcript NM_001242.5 (MANE Select); coding-DNA position 139, A replaced by T.
Protein change: p.Thr47Ser; replaces threonine 47 with serine.
Molecular consequence: missense variant. On other transcripts: 5 prime UTR variant (3), non-coding transcript variant (4).
Genome position (GRCh38, 1-based): chr12:6,445,426, A>T. VCF-style: chr12-6445426-A-T. GRCh37 (hg19) VCF-style: chr12-6554592-A-T.
Other names: c.139A>T, p.Thr47Ser (NM_001413263.1, NM_001413264.1, NM_001413265.1); c.-312A>T (NM_001413266.1, NM_001413268.1); c.-400A>T (NM_001413267.1); short protein forms T47S.
Identifiers: ClinVar variation 4736173 (VCV004736173.1).